The following is an entry in ClinVar:

NM_006767.4(LZTR1):c.2295G>A (p.Glu765=)

Gene: LZTR1 (leucine zipper like post translational regulator 1; plus strand). Cytogenetic location: 22q11.21.
Variant type: single nucleotide variant.
Coding change: c.2295G>A on transcript NM_006767.4 (MANE Select); coding-DNA position 2295, G replaced by A.
Protein change: p.Glu765=; no amino-acid change (glutamic acid 765 retained).
Molecular consequence: synonymous variant.
Genome position (GRCh38, 1-based): chr22:20,996,771, G>A. VCF-style: chr22-20996771-G-A. GRCh37 (hg19) VCF-style: chr22-21351060-G-A.
Identifiers: ClinVar variation 1567322 (VCV001567322.13), dbSNP rs1175579360, ClinGen allele CA513699621.
Genomic context (GRCh38, chr22:20,996,771, plus strand): 5'-CCCCTACTACTACGGCTTCTACAACAACCGGCTGCAGGCGTACTGCAAGCAGAACCTGGA[G>A]ATGAACGTGACGGTGCAGAACGTGCTGCAGGTAGCCCCCCAGCCCCGTGCACATGGCTGC-3'
Protein context (NP_006758.2, residues 755-775): RLQAYCKQNL[Glu765=]MNVTVQNVLQ

ClinVar aggregate classification (germline): Likely benign. Review status: criteria provided, multiple submitters, no conflicts (2 of 4 stars). 4 submissions from 4 submitters: Likely benign (3). 1 of the submissions does not count toward it. Last evaluated 2026-01-19.

Conditions:
LZTR1-related disorder. Also called: LZTR1-related disorders; LZTR1-related condition.
Cardiovascular phenotype. Identifiers: MedGen CN230736.
Hereditary cancer-predisposing syndrome. Also called: Hereditary Cancer Syndrome; Hereditary neoplastic syndrome; Neoplastic Syndromes, Hereditary; Tumor predisposition. Identifiers: Orphanet 140162, MedGen C0027672, MeSH D009386, MONDO:0015356.

Allele frequency attached by ClinVar (database versions not stated): gnomAD exomes 0.00001.
gnomAD v4.1: 22 of 1,613,526 alleles (0.0014%); highest among the groups gnomAD compares: Non-Finnish European, 0.0018%; no homozygotes.

Submissions (4):

Labcorp Genetics (formerly Invitae), Labcorp
Classification: Likely benign. Last evaluated: 2026-01-19. Review status: criteria provided, single submitter. Criteria: Invitae Variant Classification Sherloc (09022015). Collection method: clinical testing. Allele origin: germline.

GeneDx
Classification: Likely benign. Last evaluated: 2020-10-27. Review status: criteria provided, single submitter. Criteria: GeneDx Variant Classification Process June 2021. Collection method: clinical testing. Allele origin: germline. Affected: yes.

Ambry Genetics
Classification: Likely benign for Cardiovascular phenotype; Hereditary cancer-predisposing syndrome. Last evaluated: 2020-10-06. Review status: criteria provided, single submitter. Criteria: Ambry Variant Classification Scheme 2023. Collection method: clinical testing. Allele origin: germline.

PreventionGenetics, part of Exact Sciences
Classification: Likely benign for LZTR1-related condition. Last evaluated: 2023-03-06. Review status: no assertion criteria provided. Collection method: clinical testing. Allele origin: germline. Not counted in ClinVar's aggregate classification.
Comment: This variant is classified as likely benign based on ACMG/AMP sequence variant interpretation guidelines (Richards et al. 2015 PMID: 25741868, with internal and published modifications).